The following is an entry in ClinVar:

NM_002691.4(POLD1):c.1892+9C>G

Gene: POLD1 (DNA polymerase delta 1, catalytic subunit; plus strand). Cytogenetic location: 19q13.33.
Variant type: single nucleotide variant.
Coding change: c.1892+9C>G on transcript NM_002691.4 (MANE Select); 9 bases into the intron after coding-DNA position 1892, C replaced by G.
Molecular consequence: intron variant.
Genome position (GRCh38, 1-based): chr19:50,408,910, C>G. VCF-style: chr19-50408910-C-G. GRCh37 (hg19) VCF-style: chr19-50912167-C-G.
Other names: c.1892+9C>G (LRG_785t1, NM_001256849.1); c.1970+9C>G (LRG_785t2, NM_001308632.1).
Identifiers: ClinVar variation 414795 (VCV000414795.14), dbSNP rs1060504366, ClinGen allele CA16616377.

ClinVar aggregate classification (germline): Likely benign. Review status: criteria provided, single submitter (1 of 4 stars). 2 submissions from 2 submitters: Likely benign (1). 1 of the submissions does not count toward it. Last evaluated 2025-09-20.

Conditions:
Malignant tumor of breast. Also called: Malignant breast neoplasm; Cancer breast. Identifiers: MedGen C0006142, MONDO:0007254. Disease mechanism: loss of function.
POLD1-related polyposis and colorectal cancer syndrome (CRCS10). Also called: Colorectal cancer, susceptibility to, 10; Colorectal cancer 10; COLORECTAL CANCER, SUSCEPTIBILITY TO, ON CHROMOSOME 19q. Identifiers: Orphanet 220460, MedGen C2675481, MONDO:0012953, OMIM 612591.

Allele frequency attached by ClinVar (database versions not stated): gnomAD exomes below 0.00001.
gnomAD v4.1: 6 of 1,603,918 alleles (0.00037%); highest among the groups gnomAD compares: Non-Finnish European, 0.00043%; no homozygotes.

Submissions (2):

Labcorp Genetics (formerly Invitae), Labcorp
Classification: Likely benign for POLD1-related polyposis and colorectal cancer syndrome. Last evaluated: 2025-09-20. Review status: criteria provided, single submitter. Criteria: Invitae Variant Classification Sherloc (09022015). Collection method: clinical testing. Allele origin: germline.

Department of Pathology and Laboratory Medicine, Sinai Health System
Classification: Uncertain significance for Malignant tumor of breast. Review status: no assertion criteria provided. Collection method: clinical testing. Allele origin: unknown. Affected: yes. Study: The Canadian Open Genetics Repository (COGR). Not counted in ClinVar's aggregate classification.
Comment: The POLD1 c.1892+9C>G variant was not identified in the literature. The variant was identified in dbSNP (rs1060504366) as â€šÃ„Ãºwith likely benign alleleâ€šÃ„Ã¹, ClinVar (observed 1x and interpreted as "likely benign" by Invitae). The variant was identified in control databases in 1 of 236,386 chromosomes at a frequency of 0.000004 (Genome Aggregation Database Feb 27, 2017). The variant was observed in the following populations: Other in 1 of 5218 chromosomes (freq: 0.0002), but not in the African, Latino, European, Ashkenazi Jewish, East Asian, Finnish, and South Asian populations. The variant occurs outside of the splicing consensus sequence and in silico or computational prediction software programs (SpliceSiteFinder, MaxEntScan, NNSPLICE, GeneSplicer) do not predict a difference in splicing. In summary, based on the above information the clinical significance of this variant cannot be determined with certainty at this time. This variant is classified as a variant of uncertain significance.